The following is an entry in ClinVar:

NM_006164.5(NFE2L2):c.725G>A (p.Cys242Tyr)

Gene: NFE2L2 (NFE2 like bZIP transcription factor 2; minus strand). Cytogenetic location: 2q31.2.
Variant type: single nucleotide variant.
Coding change: c.725G>A on transcript NM_006164.5 (MANE Select); coding-DNA position 725, G replaced by A.
Protein change: p.Cys242Tyr; replaces cysteine 242 with tyrosine.
Molecular consequence: missense variant.
Genome position (GRCh38, 1-based): chr2:177,231,878, C>T on the plus strand (G>A on the coding strand, the complement: NFE2L2 is on the minus strand). VCF-style: chr2-177231878-C-T. GRCh37 (hg19) VCF-style: chr2-178096606-C-T.
Other names: c.677G>A, p.Cys226Tyr (NM_001145412.3, NM_001313900.1, NM_001313901.1); c.656G>A, p.Cys219Tyr (NM_001145413.3); c.635G>A, p.Cys212Tyr (NM_001313902.2); c.506G>A, p.Cys169Tyr (NM_001313903.2); c.425G>A, p.Cys142Tyr (NM_001313904.1); short protein forms C142Y, C226Y, C242Y, C219Y, C169Y, C212Y.
Identifiers: ClinVar variation 4765081 (VCV004765081.1).
Genomic context (GRCh38, chr2:177,231,878, plus strand): 5'-TCTTCTGTGGAGAGGATGCTGCTGAAGGAATCCTCAAAAGCATTAAGAAAATGTGGACTA[C>T]AGTTACCTACTTCTTTTTCCATTGAGGGTATAGATGAGTAAAAATGATAATTGTCAACTT-3'
Protein context (NP_006155.2, residues 232-252): IPSMEKEVGN[Cys242Tyr]SPHFLNAFED

ClinVar aggregate classification (germline): Uncertain significance (1 of 4 stars; one submission).

Submission:

Labcorp Genetics (formerly Invitae), Labcorp
Classification: Uncertain significance. Last evaluated: 2025-06-14. Review status: criteria provided, single submitter. Criteria: Invitae Variant Classification Sherloc (09022015). Collection method: clinical testing. Allele origin: germline.
Comment: This sequence change replaces cysteine, which is neutral and slightly polar, with tyrosine, which is neutral and polar, at codon 242 of the NFE2L2 protein (p.Cys242Tyr). This variant is not present in population databases (gnomAD no frequency). This variant has not been reported in the literature in individuals affected with NFE2L2-related conditions. Invitae Evidence Modeling of protein sequence and biophysical properties (such as structural, functional, and spatial information, amino acid conservation, physicochemical variation, residue mobility, and thermodynamic stability) has been performed for this missense variant. However, the output from this modeling did not meet the statistical confidence thresholds required to predict the impact of this variant on NFE2L2 protein function. In summary, the available evidence is currently insufficient to determine the role of this variant in disease. Therefore, it has been classified as a Variant of Uncertain Significance.